The following is an entry in ClinVar:

ClinVar aggregate classification (germline): Uncertain significance (1 of 4 stars; one submission).

Conditions:
Jeune thoracic dystrophy. Also called: Jeune syndrome; Infantile thoracic dystrophy; Thoracic pelvic phalangeal dystrophy; Jeune's syndrome; Chondroectodermal dysplasia-like syndrome; Short-rib thoracic dysplasia. Identifiers: Orphanet 474, MedGen C0265275, MONDO:0018770.

Allele frequency attached by ClinVar (database versions not stated): TOPMed below 0.00001; ExAC 0.00001; gnomAD 0.00001; gnomAD exomes 0.00003; 1000 Genomes Project 30x 0.00016; 1000 Genomes Project 0.00020.
gnomAD v4.1: 38 of 1,612,576 alleles (0.0024%); highest among the groups gnomAD compares: East Asian, 0.071%; 1 homozygote.

Submission:

Labcorp Genetics (formerly Invitae), Labcorp
Classification: Uncertain significance for Jeune thoracic dystrophy. Last evaluated: 2023-04-14. Review status: criteria provided, single submitter. Criteria: Invitae Variant Classification Sherloc (09022015). Collection method: clinical testing. Allele origin: germline.
Comment: In summary, the available evidence is currently insufficient to determine the role of this variant in disease. Therefore, it has been classified as a Variant of Uncertain Significance. Advanced modeling of protein sequence and biophysical properties (such as structural, functional, and spatial information, amino acid conservation, physicochemical variation, residue mobility, and thermodynamic stability) performed at Invitae indicates that this missense variant is not expected to disrupt IFT80 protein function. This variant has not been reported in the literature in individuals affected with IFT80-related conditions. This variant is present in population databases (rs201544947, gnomAD 0.006%). This sequence change replaces alanine, which is neutral and non-polar, with threonine, which is neutral and polar, at codon 317 of the IFT80 protein (p.Ala317Thr).

NM_020800.3(IFT80):c.949G>A (p.Ala317Thr)

Genes: IFT80 (intraflagellar transport 80; minus strand), TRIM59-IFT80 (TRIM59-IFT80 readthrough (NMD candidate); minus strand). Cytogenetic location: 3q25.33.
Variant type: single nucleotide variant.
Coding change: c.949G>A on transcript NM_020800.3 (MANE Select); coding-DNA position 949, G replaced by A.
Protein change: p.Ala317Thr; replaces alanine 317 with threonine.
Molecular consequence: missense variant. On other transcripts: non-coding transcript variant (3).
Genome position (GRCh38, 1-based): chr3:160,319,768, C>T on the plus strand (G>A on the coding strand, the complement: IFT80 is on the minus strand). VCF-style: chr3-160319768-C-T. GRCh37 (hg19) VCF-style: chr3-160037556-C-T.
Other names: c.538G>A, p.Ala180Thr (NM_001190241.2, NM_001190242.2); short protein forms A180T, A317T.
Identifiers: ClinVar variation 2776902 (VCV002776902.3), dbSNP rs201544947, ClinGen allele CA2685311.